The following is an entry in ClinVar:

ClinVar aggregate classification (germline): Uncertain significance. Review status: criteria provided, multiple submitters, no conflicts (2 of 4 stars). 2 submissions from 2 submitters: Uncertain significance (2). Last evaluated 2023-10-19.

Allele frequency attached by ClinVar (database versions not stated): gnomAD 0.00002; gnomAD exomes 0.00003 and 0.00010; ExAC 0.00010; 1000 Genomes Project 30x 0.00016; 1000 Genomes Project 0.00020.
gnomAD v4.1: 52 of 1,614,164 alleles (0.0032%); highest among the groups gnomAD compares: South Asian, 0.056%; no homozygotes.

Submissions (2):

Blueprint Genetics
Classification: Uncertain significance. Last evaluated: 2023-10-19. Review status: criteria provided, single submitter. Criteria: ACMG Guidelines, 2015. Collection method: clinical testing. Allele origin: germline.

Labcorp Genetics (formerly Invitae), Labcorp
Classification: Uncertain significance. Last evaluated: 2022-10-13. Review status: criteria provided, single submitter. Criteria: Invitae Variant Classification Sherloc (09022015). Collection method: clinical testing. Allele origin: germline.
Comment: In summary, the available evidence is currently insufficient to determine the role of this variant in disease. Therefore, it has been classified as a Variant of Uncertain Significance. Advanced modeling of protein sequence and biophysical properties (such as structural, functional, and spatial information, amino acid conservation, physicochemical variation, residue mobility, and thermodynamic stability) performed at Invitae indicates that this missense variant is not expected to disrupt EXTL3 protein function. ClinVar contains an entry for this variant (Variation ID: 1053762). This variant has not been reported in the literature in individuals affected with EXTL3-related conditions. This variant is present in population databases (rs552465189, gnomAD 0.07%). This sequence change replaces proline, which is neutral and non-polar, with alanine, which is neutral and non-polar, at codon 439 of the EXTL3 protein (p.Pro439Ala).

NM_001440.4(EXTL3):c.1315C>G (p.Pro439Ala)

Gene: EXTL3 (exostosin like glycosyltransferase 3; plus strand). Cytogenetic location: 8p21.1.
Variant type: single nucleotide variant.
Coding change: c.1315C>G on transcript NM_001440.4 (MANE Select); coding-DNA position 1315, C replaced by G.
Protein change: p.Pro439Ala; replaces proline 439 with alanine.
Molecular consequence: missense variant.
Genome position (GRCh38, 1-based): chr8:28,717,374, C>G. VCF-style: chr8-28717374-C-G. GRCh37 (hg19) VCF-style: chr8-28574891-C-G.
Other names: short protein forms P439A.
Identifiers: ClinVar variation 1053762 (VCV001053762.4), dbSNP rs552465189, ClinGen allele CA4696185.